The following is an entry in ClinVar:

NM_001099857.5(IKBKG):c.7A>C (p.Arg3=)

Gene: IKBKG (inhibitor of nuclear factor kappa B kinase regulatory subunit gamma; plus strand). Cytogenetic location: Xq28.
Variant type: single nucleotide variant.
Coding change: c.7A>C on transcript NM_001099857.5 (MANE Select); coding-DNA position 7, A replaced by C.
Protein change: p.Arg3=; no amino-acid change (arginine 3 retained).
Molecular consequence: synonymous variant. On other transcripts: non-coding transcript variant (1).
Genome position (GRCh38, 1-based): chrX:154,552,009, A>C. VCF-style: chrX-154552009-A-C. GRCh37 (hg19) VCF-style: chrX-153780224-A-C.
Other names: c.211A>C, p.Arg71= (NM_001099856.6); c.7A>C, p.Arg3= (NM_001145255.4, NM_001321396.3, NM_001321397.3 and 5 more transcripts).
Identifiers: ClinVar variation 3038585 (VCV003038585.2), dbSNP rs57174646, ClinGen allele CA10566428.

ClinVar aggregate classification (germline): Benign (0 of 4 stars; one submission).

Conditions:
IKBKG-related disorder. Also called: IKBKG-related condition.

Allele frequency attached by ClinVar (database versions not stated): TOPMed 0.00375; 1000 Genomes Project 0.00503; 1000 Genomes Project 30x 0.00520; gnomAD exomes 0.00033; ExAC 0.00146; gnomAD 0.00329; ESP Exome Variant Server 0.00587.
gnomAD v4.1: 687 of 1,082,804 alleles (0.063%); highest among the groups gnomAD compares: African/African-American, 1.2%; 4 homozygotes.

Submission:

PreventionGenetics, part of Exact Sciences
Classification: Benign for IKBKG-related condition. Last evaluated: 2019-08-07. Review status: no assertion criteria provided. Collection method: clinical testing. Allele origin: germline.
Comment: This variant is classified as benign based on ACMG/AMP sequence variant interpretation guidelines (Richards et al. 2015 PMID: 25741868, with internal and published modifications).